The following is an entry in ClinVar:

ClinVar aggregate classification (germline): Uncertain significance (1 of 4 stars; one submission).

Conditions:
Transcobalamin II deficiency (TCN2D). Also called: Transcolabamin II deficiency; TC II DEFICIENCY; TCN2 DEFICIENCY. Identifiers: Orphanet 859, MedGen C0342701, MONDO:0010149, OMIM 275350.

Allele frequency attached by ClinVar (database versions not stated): gnomAD exomes below 0.00001; TOPMed below 0.00001; ExAC 0.00001.
gnomAD v4.1: 1 of 1,614,140 alleles (0.000062%); highest among the groups gnomAD compares: Non-Finnish European, 0.000085%; no homozygotes.

Submission:

Labcorp Genetics (formerly Invitae), Labcorp
Classification: Uncertain significance for Transcobalamin II deficiency. Last evaluated: 2022-08-23. Review status: criteria provided, single submitter. Criteria: Invitae Variant Classification Sherloc (09022015). Collection method: clinical testing. Allele origin: germline.
Comment: This sequence change replaces histidine, which is basic and polar, with arginine, which is basic and polar, at codon 190 of the TCN2 protein (p.His190Arg). This variant is present in population databases (rs781440675, gnomAD 0.0009%). This variant has not been reported in the literature in individuals affected with TCN2-related conditions. Algorithms developed to predict the effect of missense changes on protein structure and function output the following: SIFT: "Tolerated"; PolyPhen-2: "Benign"; Align-GVGD: "Class C0". The arginine amino acid residue is found in multiple mammalian species, which suggests that this missense change does not adversely affect protein function. In summary, the available evidence is currently insufficient to determine the role of this variant in disease. Therefore, it has been classified as a Variant of Uncertain Significance.

NM_000355.4(TCN2):c.569A>G (p.His190Arg)

Gene: TCN2 (transcobalamin 2; plus strand). Cytogenetic location: 22q12.2.
Variant type: single nucleotide variant.
Coding change: c.569A>G on transcript NM_000355.4 (MANE Select); coding-DNA position 569, A replaced by G.
Protein change: p.His190Arg; replaces histidine 190 with arginine.
Molecular consequence: missense variant.
Genome position (GRCh38, 1-based): chr22:30,614,490, A>G. VCF-style: chr22-30614490-A-G. GRCh37 (hg19) VCF-style: chr22-31010477-A-G.
Other names: c.488A>G, p.His163Arg (NM_001184726.2); short protein forms H163R, H190R.
Identifiers: ClinVar variation 1961351 (VCV001961351.2), dbSNP rs781440675, ClinGen allele CA10184705.
Genomic context (GRCh38, chr22:30,614,490, plus strand): 5'-GGGTCCATGACAGCGTGGTGGACAAACTTCTGTATGCTGTGGAACCTTTCCACCAGGGCC[A>G]CCATTCTGTGGGTGAGTAGGTCAGACCGTGCCAAGGCCAGGCTGGCACTCCCTCAGTCCC-3'
Protein context (NP_000346.2, residues 180-200): LYAVEPFHQG[His190Arg]HSVDTAAMAG